The following is an entry in ClinVar:

NM_000548.5(TSC2):c.4214C>A (p.Ala1405Asp)

Gene: TSC2 (TSC complex subunit 2; plus strand). Cytogenetic location: 16p13.3.
Variant type: single nucleotide variant.
Coding change: c.4214C>A on transcript NM_000548.5 (MANE Select); coding-DNA position 4214, C replaced by A.
Protein change: p.Ala1405Asp; replaces alanine 1405 with aspartic acid.
Molecular consequence: missense variant. On other transcripts: non-coding transcript variant (5).
Genome position (GRCh38, 1-based): chr16:2,084,436, C>A. VCF-style: chr16-2084436-C-A. GRCh37 (hg19) VCF-style: chr16-2134437-C-A.
Other names: c.4013C>A, p.Ala1338Asp (NM_001077183.3); c.4145C>A, p.Ala1382Asp (NM_001114382.3); c.3905C>A, p.Ala1302Asp (NM_001318827.2); c.3869C>A, p.Ala1290Asp (NM_001318829.2); c.3482C>A, p.Ala1161Asp (NM_001318831.2); c.4046C>A, p.Ala1349Asp (NM_001318832.2); c.4016C>A, p.Ala1339Asp (NM_001363528.2); c.4082C>A, p.Ala1361Asp (NM_001370404.1); and 26 more; short protein forms A1139D, A1205D, A1289D, A1335D, A1338D, A1349D, A1368D, A1381D.
Identifiers: ClinVar variation 2883833 (VCV002883833.3), dbSNP rs1279133289, ClinGen allele CA394299986.

ClinVar aggregate classification (germline): Uncertain significance (1 of 4 stars; one submission).

Conditions:
Tuberous sclerosis 2 (TSC2). Identifiers: Orphanet 805, MedGen C1860707, MONDO:0013199, OMIM 613254.

Submission:

Labcorp Genetics (formerly Invitae), Labcorp
Classification: Uncertain significance for Tuberous sclerosis 2. Last evaluated: 2023-10-03. Review status: criteria provided, single submitter. Criteria: Invitae Variant Classification Sherloc (09022015). Collection method: clinical testing. Allele origin: germline.
Comment: This sequence change replaces alanine, which is neutral and non-polar, with aspartic acid, which is acidic and polar, at codon 1405 of the TSC2 protein (p.Ala1405Asp). This variant is not present in population databases (gnomAD no frequency). This variant has not been reported in the literature in individuals affected with TSC2-related conditions. Advanced modeling of protein sequence and biophysical properties (such as structural, functional, and spatial information, amino acid conservation, physicochemical variation, residue mobility, and thermodynamic stability) performed at Invitae indicates that this missense variant is not expected to disrupt TSC2 protein function. In summary, the available evidence is currently insufficient to determine the role of this variant in disease. Therefore, it has been classified as a Variant of Uncertain Significance.